The following is an entry in ClinVar:

ClinVar aggregate classification (germline): Uncertain significance (1 of 4 stars; one submission).

Submission:

GeneDx
Classification: Uncertain significance. Last evaluated: 2025-07-17. Review status: criteria provided, single submitter. Criteria: GeneDx Variant Classification Process June 2021. Collection method: clinical testing. Allele origin: germline. Affected: yes.
Comment: Not observed at significant frequency in large population cohorts (gnomAD); Nonsense variant predicted to result in protein truncation or nonsense mediated decay in a gene or region of a gene for which loss of function is not a well-established mechanism of disease; Has not been previously published as pathogenic or benign to our knowledge

NM_018026.4(PACS1):c.312C>G (p.Tyr104Ter)

Gene: PACS1 (phosphofurin acidic cluster sorting protein 1; plus strand). Cytogenetic location: 11q13.1.
Variant type: single nucleotide variant.
Coding change: c.312C>G on transcript NM_018026.4 (MANE Select); coding-DNA position 312, C replaced by G.
Protein change: p.Tyr104Ter; replaces tyrosine 104 with a stop codon.
Molecular consequence: nonsense.
Genome position (GRCh38, 1-based): chr11:66,070,798, C>G. VCF-style: chr11-66070798-C-G. GRCh37 (hg19) VCF-style: chr11-65838269-C-G.
Other names: short protein forms Y104*.
Identifiers: ClinVar variation 4686420 (VCV004686420.1).